The following is an entry in ClinVar:

ClinVar aggregate classification (germline): Uncertain significance. Review status: criteria provided, multiple submitters, no conflicts (2 of 4 stars). 3 submissions from 3 submitters: Uncertain significance (3). Last evaluated 2025-05-30.

Conditions:
Deficiency of cytochrome-b5 reductase. Also called: METHEMOGLOBINEMIA, CONGENITAL, AUTOSOMAL RECESSIVE; NADH-DEPENDENT METHEMOGLOBIN REDUCTASE DEFICIENCY. Identifiers: Orphanet 621, MedGen C0268193, MONDO:0009606, OMIM 250800.

gnomAD v4.1: 30 of 1,612,472 alleles (0.0019%); highest among the groups gnomAD compares: African/African-American, 0.0093%; no homozygotes.

Submissions (3):

Labcorp Genetics (formerly Invitae), Labcorp
Classification: Uncertain significance. Last evaluated: 2025-05-30. Review status: criteria provided, single submitter. Criteria: Invitae Variant Classification Sherloc (09022015). Collection method: clinical testing. Allele origin: germline.
Comment: This sequence change replaces arginine, which is basic and polar, with tryptophan, which is neutral and slightly polar, at codon 46 of the CYB5R3 protein (p.Arg46Trp). The frequency data for this variant in the population databases is considered unreliable, as metrics indicate poor data quality at this position in the gnomAD database. This missense change has been observed in individual(s) with hereditary methemoglobinemia (PMID: 18343696). ClinVar contains an entry for this variant (Variation ID: 3340198). Invitae Evidence Modeling of protein sequence and biophysical properties (such as structural, functional, and spatial information, amino acid conservation, physicochemical variation, residue mobility, and thermodynamic stability) indicates that this missense variant is expected to disrupt CYB5R3 protein function with a positive predictive value of 95%. In summary, the available evidence is currently insufficient to determine the role of this variant in disease. Therefore, it has been classified as a Variant of Uncertain Significance.

Revvity Omics, Revvity
Classification: Uncertain significance for Deficiency of cytochrome-b5 reductase. Last evaluated: 2024-11-17. Review status: criteria provided, single submitter. Criteria: ACMG Guidelines, 2015. Collection method: clinical testing. Allele origin: germline.

GeneDx
Classification: Uncertain significance. Last evaluated: 2024-03-12. Review status: criteria provided, single submitter. Criteria: GeneDx Variant Classification Process June 2021. Collection method: clinical testing. Allele origin: germline. Affected: yes.
Comment: In silico analysis supports that this missense variant has a deleterious effect on protein structure/function; This variant is associated with the following publications: (PMID: 31898843, 34426522, Hergun2021[article], 18343696)

Literature cited by the submitters: PubMed 18343696 (cited by Labcorp Genetics (formerly Invitae), Labcorp).

NM_000398.7(CYB5R3):c.136C>T (p.Arg46Trp)

Gene: CYB5R3 (cytochrome b5 reductase 3; minus strand). Cytogenetic location: 22q13.2.
Variant type: single nucleotide variant.
Coding change: c.136C>T on transcript NM_000398.7 (MANE Select); coding-DNA position 136, C replaced by T.
Protein change: p.Arg46Trp; replaces arginine 46 with tryptophan.
Molecular consequence: missense variant.
Genome position (GRCh38, 1-based): chr22:42,636,732, G>A on the plus strand (C>T on the coding strand, the complement: CYB5R3 is on the minus strand). VCF-style: chr22-42636732-G-A. GRCh37 (hg19) VCF-style: chr22-43032738-G-A.
Other names: c.67C>T, p.Arg23Trp (NM_001129819.2, NM_001171661.1, NM_007326.4); c.235C>T, p.Arg79Trp (NM_001171660.2); short protein forms R23W, R46W, R79W.
Identifiers: ClinVar variation 3340198 (VCV003340198.3).